The following is an entry in ClinVar:

ClinVar aggregate classification (germline): Likely benign (0 of 4 stars; one submission).

Conditions:
PDZD2-related disorder. Also called: PDZD2-related condition.

Allele frequency attached by ClinVar (database versions not stated): ExAC 0.00012; ESP Exome Variant Server 0.00015; gnomAD 0.00015; 1000 Genomes Project 30x 0.00016; 1000 Genomes Project 0.00020; TOPMed 0.00020.
gnomAD v4.1: 197 of 1,614,092 alleles (0.012%); highest among the groups gnomAD compares: Middle Eastern, 0.13%; 1 homozygote.

Submission:

PreventionGenetics, part of Exact Sciences
Classification: Likely benign for PDZD2-related condition. Last evaluated: 2019-05-21. Review status: no assertion criteria provided. Collection method: clinical testing. Allele origin: germline.
Comment: This variant is classified as likely benign based on ACMG/AMP sequence variant interpretation guidelines (Richards et al. 2015 PMID: 25741868, with internal and published modifications).

NM_178140.4(PDZD2):c.7002T>C (p.Ser2334=)

Gene: PDZD2 (PDZ domain containing 2; plus strand). Cytogenetic location: 5p13.3.
Variant type: single nucleotide variant.
Coding change: c.7002T>C on transcript NM_178140.4 (MANE Select); coding-DNA position 7002, T replaced by C.
Protein change: p.Ser2334=; no amino-acid change (serine 2334 retained).
Molecular consequence: synonymous variant.
Genome position (GRCh38, 1-based): chr5:32,090,450, T>C. VCF-style: chr5-32090450-T-C. GRCh37 (hg19) VCF-style: chr5-32090556-T-C.
Identifiers: ClinVar variation 3039318 (VCV003039318.2), dbSNP rs368769625, ClinGen allele CA3220229.
Genomic context (GRCh38, chr5:32,090,450, plus strand): 5'-CACCAGACGACACTACTGCTATGAGCAGAACTGGCCCCATGAATCTACCTCATTTTTCTC[T>C]GTGAAGCAGCGGATCAAGTCTTTTGAGAACCTGGCCAATGCTGACCGGCCTGTAGCCAAG-3'
Protein context (NP_835260.2, residues 2324-2344): NWPHESTSFF[Ser2334=]VKQRIKSFEN